The following is an entry in ClinVar:

NM_001005273.3(CHD3):c.3238C>T (p.Leu1080Phe)

Gene: CHD3 (chromodomain helicase DNA binding protein 3; plus strand). Cytogenetic location: 17p13.1.
Variant type: single nucleotide variant.
Coding change: c.3238C>T on transcript NM_001005273.3 (MANE Select); coding-DNA position 3238, C replaced by T.
Protein change: p.Leu1080Phe; replaces leucine 1080 with phenylalanine.
Molecular consequence: missense variant.
Genome position (GRCh38, 1-based): chr17:7,901,361, C>T. VCF-style: chr17-7901361-C-T. GRCh37 (hg19) VCF-style: chr17-7804679-C-T.
Other names: c.3415C>T, p.Leu1139Phe (NM_001005271.3, NM_001437504.1); c.3403C>T, p.Leu1135Phe (NM_001437507.1, NM_001437508.1, NM_001437509.1); c.3238C>T, p.Leu1080Phe (NM_005852.4); short protein forms L1139F, L1080F, L1135F.
Identifiers: ClinVar variation 4294357 (VCV004294357.1).

ClinVar aggregate classification (germline): Likely pathogenic (1 of 4 stars; one submission).

Conditions:
Snijders Blok-Campeau syndrome. Also called: INTELLECTUAL DEVELOPMENTAL DISORDER WITH MACROCEPHALY, SPEECH DELAY, AND DYSMORPHIC FACIES. Identifiers: Orphanet 599082, MedGen C4748701, MONDO:0032600, OMIM 618205.

Submission:

Laboratoire Génétique Moléculaire, CHRU TOURS
Classification: Likely pathogenic for Snijders Blok-Campeau syndrome. Last evaluated: 2023-02-16. Review status: criteria provided, single submitter. Criteria: ACMG Guidelines, 2015. Collection method: clinical testing. Allele origin: de novo. Affected: yes.
Comment: PS2;PM1;PM2;PM5;PP3;PP4